The following is an entry in ClinVar:

ClinVar aggregate classification (germline): Uncertain significance (1 of 4 stars; one submission).

Conditions:
Marfan syndrome (MFS). Also called: MARFAN SYNDROME, TYPE I; Marfan syndrome type 1; Marfan's syndrome; Marfan syndrome, classic; FBN1-Related Marfan Syndrome. Identifiers: Orphanet 284963, Orphanet 558, MedGen C0024796, MONDO:0007947, OMIM 154700.
Familial thoracic aortic aneurysm and aortic dissection (TAAD). Also called: Thoracic aortic aneurysms and dissections. Identifiers: Orphanet 91387, MedGen C4707243, MONDO:0019625.

Submission:

Labcorp Genetics (formerly Invitae), Labcorp
Classification: Uncertain significance for Marfan syndrome; Familial thoracic aortic aneurysm and aortic dissection. Last evaluated: 2023-12-13. Review status: criteria provided, single submitter. Criteria: Invitae Variant Classification Sherloc (09022015). Collection method: clinical testing. Allele origin: germline.
Comment: This sequence change affects codon 1486 of the FBN1 mRNA. It is a 'silent' change, meaning that it does not change the encoded amino acid sequence of the FBN1 protein. It affects a nucleotide within the consensus splice site. This variant is not present in population databases (gnomAD no frequency). This variant has been observed in individual(s) with Marfan syndrome (Invitae). Algorithms developed to predict the effect of sequence changes on RNA splicing suggest that this variant may disrupt the consensus splice site. In summary, the available evidence is currently insufficient to determine the role of this variant in disease. Therefore, it has been classified as a Variant of Uncertain Significance.

NM_000138.5(FBN1):c.4458A>C (p.Thr1486=)

Gene: FBN1 (fibrillin 1; minus strand). Cytogenetic location: 15q21.1.
Variant type: single nucleotide variant.
Coding change: c.4458A>C on transcript NM_000138.5 (MANE Select); coding-DNA position 4458, A replaced by C.
Protein change: p.Thr1486=; no amino-acid change (threonine 1486 retained).
Molecular consequence: synonymous variant.
Genome position (GRCh38, 1-based): chr15:48,470,635, T>G on the plus strand (A>C on the coding strand, the complement: FBN1 is on the minus strand). VCF-style: chr15-48470635-T-G. GRCh37 (hg19) VCF-style: chr15-48762832-T-G.
Other names: c.4458A>C, p.Thr1486= (NM_001406716.1).
Identifiers: ClinVar variation 2921392 (VCV002921392.3), dbSNP rs2043364642, ClinGen allele CA490027665.